The following is an entry in ClinVar:

ClinVar aggregate classification (germline): Uncertain significance (1 of 4 stars; one submission).

Conditions:
Hereditary cancer-predisposing syndrome. Also called: Hereditary Cancer Syndrome; Neoplastic Syndromes, Hereditary; Tumor predisposition; Hereditary neoplastic syndrome. Identifiers: Orphanet 140162, MedGen C0027672, MeSH D009386, MONDO:0015356.

gnomAD v4.1: 1 of 1,610,856 alleles (0.000062%); highest among the groups gnomAD compares: East Asian, 0.0022%; no homozygotes.

Submission:

Color Diagnostics, LLC DBA Color Health
Classification: Uncertain significance for Hereditary cancer-predisposing syndrome. Last evaluated: 2023-12-05. Review status: criteria provided, single submitter. Criteria: ACMG Guidelines, 2015. Collection method: clinical testing. Allele origin: germline.
Comment: This missense variant replaces glutamine with histidine at codon 1814 of the APC protein. Computational prediction suggests that this variant may not impact protein structure and function (internally defined REVEL score threshold <= 0.5, PMID: 27666373). To our knowledge, functional studies have not been reported for this variant. This variant has not been reported in individuals affected with APC-related disorders in the literature. This variant has not been identified in the general population by the Genome Aggregation Database (gnomAD). The available evidence is insufficient to determine the role of this variant in disease conclusively. Therefore, this variant is classified as a Variant of Uncertain Significance.

NM_000038.6(APC):c.5442G>T (p.Gln1814His)

Gene: APC (APC regulator of Wnt signaling pathway; plus strand). Cytogenetic location: 5q22.2.
Variant type: single nucleotide variant.
Coding change: c.5442G>T on transcript NM_000038.6 (MANE Select); coding-DNA position 5442, G replaced by T.
Protein change: p.Gln1814His; replaces glutamine 1814 with histidine.
Molecular consequence: missense variant.
Genome position (GRCh38, 1-based): chr5:112,841,036, G>T. VCF-style: chr5-112841036-G-T. GRCh37 (hg19) VCF-style: chr5-112176733-G-T.
Other names: c.5442G>T, p.Gln1814His (NM_001127510.3, NM_001354895.2); c.5388G>T, p.Gln1796His (NM_001127511.3); c.5496G>T, p.Gln1832His (NM_001354896.2); c.5472G>T, p.Gln1824His (NM_001354897.2); c.5367G>T, p.Gln1789His (NM_001354898.2); c.5358G>T, p.Gln1786His (NM_001354899.2); c.5319G>T, p.Gln1773His (NM_001354900.2); c.5265G>T, p.Gln1755His (NM_001354901.2); and 5 more; short protein forms Q1796H, Q1814H, Q1688H, Q1832H, Q1723H, Q1773H, Q1713H, Q1755H.
Identifiers: ClinVar variation 490308 (VCV000490308.6), dbSNP rs1554086735, ClinGen allele CA16033231.